The following is an entry in ClinVar:

NM_000038.6(APC):c.2637G>A (p.Gln879=)

Gene: APC (APC regulator of Wnt signaling pathway; plus strand). Cytogenetic location: 5q22.2.
Variant type: single nucleotide variant.
Coding change: c.2637G>A on transcript NM_000038.6 (MANE Select); coding-DNA position 2637, G replaced by A.
Protein change: p.Gln879=; no amino-acid change (glutamine 879 retained).
Molecular consequence: synonymous variant.
Genome position (GRCh38, 1-based): chr5:112,838,231, G>A. VCF-style: chr5-112838231-G-A. GRCh37 (hg19) VCF-style: chr5-112173928-G-A.
Other names: c.2637G>A, p.Gln879= (NM_001354895.2, NM_001127510.3); c.2691G>A, p.Gln897= (NM_001354896.2); c.2667G>A, p.Gln889= (NM_001354897.2); c.2562G>A, p.Gln854= (NM_001354898.2); c.2553G>A, p.Gln851= (NM_001354899.2); c.2514G>A, p.Gln838= (NM_001354900.2); c.2460G>A, p.Gln820= (NM_001354901.2); c.2364G>A, p.Gln788= (NM_001354902.2); and 5 more.
Identifiers: ClinVar variation 1560594 (VCV001560594.10), dbSNP rs763546422, ClinGen allele CA445962972.

ClinVar aggregate classification (germline): Benign/Likely benign. Review status: criteria provided, multiple submitters, no conflicts (2 of 4 stars). 4 submissions from 4 submitters: Benign (1); Likely benign (3). Last evaluated 2025-06-30.

Conditions:
Familial adenomatous polyposis 1 (FAP1). Also called: POLYPOSIS, ADENOMATOUS INTESTINAL; FAMILIAL ADENOMATOUS POLYPOSIS 1, ATTENUATED. Identifiers: MedGen C2713442, MONDO:0021056, OMIM 175100. Disease mechanism: loss of function.
Hereditary cancer-predisposing syndrome. Also called: Hereditary neoplastic syndrome; Neoplastic Syndromes, Hereditary; Hereditary Cancer Syndrome; Tumor predisposition. Identifiers: Orphanet 140162, MedGen C0027672, MeSH D009386, MONDO:0015356.

gnomAD v4.1: 5 of 1,614,194 alleles (0.00031%); highest among the groups gnomAD compares: Non-Finnish European, 0.00042%; no homozygotes.

Submissions (4):

Color Diagnostics, LLC DBA Color Health
Classification: Likely benign for Hereditary cancer-predisposing syndrome. Last evaluated: 2025-06-30. Review status: criteria provided, single submitter. Criteria: ACMG Guidelines, 2015. Collection method: clinical testing. Allele origin: germline.

Labcorp Genetics (formerly Invitae), Labcorp
Classification: Likely benign for Familial adenomatous polyposis 1. Last evaluated: 2024-04-24. Review status: criteria provided, single submitter. Criteria: Invitae Variant Classification Sherloc (09022015). Collection method: clinical testing. Allele origin: germline.

Myriad Genetics, Inc.
Classification: Benign for Familial adenomatous polyposis 1. Last evaluated: 2024-03-14. Review status: criteria provided, single submitter. Criteria: Myriad Autosomal Dominant, Autosomal Recessive and X-Linked Classification Criteria (2023). Collection method: clinical testing. Allele origin: unknown.
Comment: This variant is considered benign. This variant is a silent/synonymous amino acid change and it is not expected to impact splicing.

Ambry Genetics
Classification: Likely benign for Hereditary cancer-predisposing syndrome. Last evaluated: 2020-11-10. Review status: criteria provided, single submitter. Criteria: Ambry Variant Classification Scheme 2023. Collection method: clinical testing. Allele origin: germline.